The following is an entry in ClinVar:

ClinVar aggregate classification (germline): Uncertain significance (1 of 4 stars; one submission).

Conditions:
Werner syndrome (WRN). Identifiers: Orphanet 902, MedGen C0043119, MONDO:0010196, OMIM 277700.

Submission:

Labcorp Genetics (formerly Invitae), Labcorp
Classification: Uncertain significance for Werner syndrome. Last evaluated: 2022-07-18. Review status: criteria provided, single submitter. Criteria: Invitae Variant Classification Sherloc (09022015). Collection method: clinical testing. Allele origin: germline.
Comment: In summary, the available evidence is currently insufficient to determine the role of this variant in disease. Therefore, it has been classified as a Variant of Uncertain Significance. Algorithms developed to predict the effect of missense changes on protein structure and function are either unavailable or do not agree on the potential impact of this missense change (SIFT: "Not Available"; PolyPhen-2: "Possibly Damaging"; Align-GVGD: "Not Available"). This variant has not been reported in the literature in individuals affected with WRN-related conditions. This variant is not present in population databases (gnomAD no frequency). This sequence change replaces asparagine, which is neutral and polar, with histidine, which is basic and polar, at codon 90 of the WRN protein (p.Asn90His).

NM_000553.6(WRN):c.268A>C (p.Asn90His)

Gene: WRN (WRN RecQ like helicase; plus strand). Cytogenetic location: 8p12.
Variant type: single nucleotide variant.
Coding change: c.268A>C on transcript NM_000553.6 (MANE Select); coding-DNA position 268, A replaced by C.
Protein change: p.Asn90His; replaces asparagine 90 with histidine.
Molecular consequence: missense variant.
Genome position (GRCh38, 1-based): chr8:31,064,347, A>C. VCF-style: chr8-31064347-A-C. GRCh37 (hg19) VCF-style: chr8-30921863-A-C.
Other names: short protein forms N90H.
Identifiers: ClinVar variation 2421624 (VCV002421624.6), dbSNP rs2535880860, ClinGen allele CA370914128.